The following is an entry in ClinVar:

NM_004656.4(BAP1):c.2122C>T (p.Arg708Trp)

Gene: BAP1 (BRCA1 associated deubiquitinase 1; minus strand). Cytogenetic location: 3p21.1.
Variant type: single nucleotide variant.
Coding change: c.2122C>T on transcript NM_004656.4 (MANE Select); coding-DNA position 2122, C replaced by T.
Protein change: p.Arg708Trp; replaces arginine 708 with tryptophan.
Molecular consequence: missense variant.
Genome position (GRCh38, 1-based): chr3:52,402,356, G>A on the plus strand (C>T on the coding strand, the complement: BAP1 is on the minus strand). VCF-style: chr3-52402356-G-A. GRCh37 (hg19) VCF-style: chr3-52436372-G-A.
Other names: short protein forms R708W.
Identifiers: ClinVar variation 539899 (VCV000539899.9), dbSNP rs1345279795, ClinGen allele CA353094255.

ClinVar aggregate classification (germline): Conflicting classifications of pathogenicity. Review status: criteria provided, conflicting classifications (1 of 4 stars). 2 submissions from 2 submitters: Uncertain significance (1); Benign (1). Last evaluated 2025-10-19.

Conditions:
BAP1-related tumor predisposition syndrome (TPDS1). Also called: COMMON Syndrome; TUMOR PREDISPOSITION SYNDROME 1; BAP1 tumor predisposition syndrome; Tumor susceptibility linked to germline BAP1 mutations. Identifiers: Orphanet 289539, MedGen C3280492, MONDO:0013692, OMIM 614327.
Hereditary cancer-predisposing syndrome. Also called: Neoplastic Syndromes, Hereditary; Hereditary Cancer Syndrome; Hereditary neoplastic syndrome; Tumor predisposition. Identifiers: Orphanet 140162, MedGen C0027672, MeSH D009386, MONDO:0015356.

Allele frequency attached by ClinVar (database versions not stated): TOPMed below 0.00001; gnomAD 0.00001.
gnomAD v4.1: 3 of 1,582,150 alleles (0.00019%); highest among the groups gnomAD compares: Middle Eastern, 0.017%; no homozygotes.

Submissions (2):

Labcorp Genetics (formerly Invitae), Labcorp
Classification: Uncertain significance for BAP1-related tumor predisposition syndrome. Last evaluated: 2025-10-19. Review status: criteria provided, single submitter. Criteria: Invitae Variant Classification Sherloc (09022015). Collection method: clinical testing. Allele origin: germline.
Comment: This sequence change replaces arginine, which is basic and polar, with tryptophan, which is neutral and slightly polar, at codon 708 of the BAP1 protein (p.Arg708Trp). The frequency data for this variant in the population databases is considered unreliable, as metrics indicate poor data quality at this position in the gnomAD database. This variant has not been reported in the literature in individuals affected with BAP1-related conditions. ClinVar contains an entry for this variant (Variation ID: 539899). Invitae Evidence Modeling of protein sequence and biophysical properties (such as structural, functional, and spatial information, amino acid conservation, physicochemical variation, residue mobility, and thermodynamic stability) has been performed for this missense variant. However, the output from this modeling did not meet the statistical confidence thresholds required to predict the impact of this variant on BAP1 protein function. In summary, the available evidence is currently insufficient to determine the role of this variant in disease. Therefore, it has been classified as a Variant of Uncertain Significance.

Ambry Genetics
Classification: Benign for Hereditary cancer-predisposing syndrome. Last evaluated: 2025-07-03. Review status: criteria provided, single submitter. Criteria: Ambry Variant Classification Scheme 2023. Collection method: clinical testing. Allele origin: germline.

Literature cited by the submitters: PubMed 38969833 (cited by Ambry Genetics).